The following is an entry in ClinVar:

NM_031308.4(EPPK1):c.6768C>T (p.Pro2256=)

Gene: EPPK1 (epiplakin 1; minus strand). Cytogenetic location: 8q24.3.
Variant type: single nucleotide variant.
Coding change: c.6768C>T on transcript NM_031308.4 (MANE Select); coding-DNA position 6768, C replaced by T.
Protein change: p.Pro2256=; no amino-acid change (proline 2256 retained).
Molecular consequence: synonymous variant.
Genome position (GRCh38, 1-based): chr8:143,866,486, G>A on the plus strand (C>T on the coding strand, the complement: EPPK1 is on the minus strand). VCF-style: chr8-143866486-G-A.
Identifiers: ClinVar variation 3036895 (VCV003036895.1), dbSNP rs1290351511, ClinGen allele CA848824466.

ClinVar aggregate classification (germline): Likely benign (1 of 4 stars; one submission).

Conditions:
EPPK1-related disorder. Also called: EPPK1-related condition.

Allele frequency attached by ClinVar (database versions not stated): gnomAD 0.00006; gnomAD exomes 0.00009.
gnomAD v4.1: 134 of 1,535,214 alleles (0.0087%); highest among the groups gnomAD compares: South Asian, 0.14%; 3 homozygotes.

Submission:

PreventionGenetics, part of Exact Sciences
Classification: Likely benign for EPPK1-related condition. Last evaluated: 2021-09-17. Review status: criteria provided, single submitter. Criteria: ACMG Guidelines, 2015. Collection method: clinical testing. Allele origin: germline.
Comment: This variant is classified as likely benign based on ACMG/AMP sequence variant interpretation guidelines (Richards et al. 2015 PMID: 25741868, with internal and published modifications).